The following is an entry in ClinVar:

NM_000212.3(ITGB3):c.900T>C (p.His300=)

Gene: ITGB3 (integrin subunit beta 3; plus strand). Cytogenetic location: 17q21.32.
Variant type: single nucleotide variant.
Coding change: c.900T>C on transcript NM_000212.3 (MANE Select); coding-DNA position 900, T replaced by C.
Protein change: p.His300=; no amino-acid change (histidine 300 retained).
Molecular consequence: synonymous variant.
Genome position (GRCh38, 1-based): chr17:47,287,192, T>C. VCF-style: chr17-47287192-T-C. GRCh37 (hg19) VCF-style: chr17-45364558-T-C.
Other names: c.900T>C (NM_000212.2).
Identifiers: ClinVar variation 435536 (VCV000435536.20), dbSNP rs376378154, ClinGen allele CA8623076.
Genomic context (GRCh38, chr17:47,287,192, plus strand): 5'-TCATATAGCATTGGACGGAAGGCTGGCAGGCATTGTCCAGCCTAATGACGGGCAGTGTCA[T>C]GTTGGTAGTGACAATCATTACTCTGCCTCCACTACCATGGTGAGATCTCTGGCACCACCT-3'
Protein context (NP_000203.2, residues 290-310): GIVQPNDGQC[His300=]VGSDNHYSAS

ClinVar aggregate classification (germline): Likely benign. Review status: reviewed by expert panel (3 of 4 stars). 6 submissions from 6 submitters: Likely benign (1). 5 of the submissions do not count toward it. Last evaluated 2021-05-07.

Conditions:
ITGB3-related disorder. Also called: ITGB3-related condition.
Glanzmann thrombasthenia. Also called: BLEEDING DISORDER, PLATELET-TYPE, 2; THROMBASTHENIA OF GLANZMANN AND NAEGELI; Glanzmann's thrombasthenia; Thrombasthenia; PLATELET GLYCOPROTEIN IIb-IIIa DEFICIENCY. Identifiers: Orphanet 849, MedGen C0040015, MONDO:0100326.

Allele frequency attached by ClinVar (database versions not stated): ESP Exome Variant Server 0.00008; gnomAD exomes 0.00015 and 0.00025; gnomAD 0.00019 and 0.00020; ExAC 0.00020; TOPMed 0.00021.
gnomAD v4.1: 263 of 1,613,888 alleles (0.016%); highest among the groups gnomAD compares: Non-Finnish European, 0.012%; no homozygotes.

Submissions (6):

ClinGen Platelet Disorders Variant Curation Expert Panel, ClinGen
Classification: Likely benign for Glanzmann thrombasthenia. Last evaluated: 2021-05-07. Review status: reviewed by expert panel. Criteria: ClinGen Platelet ACMG Specifications v2. Collection method: curation. Allele origin: germline. Inheritance: Autosomal recessive inheritance.
Comment: The NM_000212.2(ITGB3):c.900T>C (p.His300=) synonymous variant was observed by Illumina as part of a predisposition screen in an ostensibly healthy population but has not been reported in a GT patient. It is not predicted to have an impact on splicing. The variant occurs at an allele frequency greater than expected for the disorder with a MAF of 0.003664 (38/10370 alleles) in the gnomAD Ashkenazi Jewish population.In summary, this variant meets criteria to be classified as Likely Benign for GT. GT-specific criteria applied: BS1, BP4, and BP7

Labcorp Genetics (formerly Invitae), Labcorp
Classification: Likely benign. Last evaluated: 2026-01-22. Review status: criteria provided, single submitter. Criteria: Invitae Variant Classification Sherloc (09022015). Collection method: clinical testing. Allele origin: germline. Not counted in ClinVar's aggregate classification.

Women's Health and Genetics/Laboratory Corporation of America, LabCorp
Classification: Likely benign. Last evaluated: 2023-12-07. Review status: criteria provided, single submitter. Criteria: LabCorp Variant Classification Summary - May 2015. Collection method: clinical testing. Allele origin: germline. Not counted in ClinVar's aggregate classification.

Illumina Laboratory Services, Illumina
Classification: Uncertain significance for Glanzmann thrombasthenia 1. Last evaluated: 2018-01-13. Review status: criteria provided, single submitter. Criteria: ICSL Variant Classification Criteria 13 December 2019. Collection method: clinical testing. Allele origin: germline. Not counted in ClinVar's aggregate classification.

Genetic Services Laboratory, University of Chicago
Classification: Likely benign. Last evaluated: 2017-04-05. Review status: criteria provided, single submitter. Criteria: ACMG Guidelines, 2015. Collection method: clinical testing. Allele origin: germline. Affected: no. Not counted in ClinVar's aggregate classification.

PreventionGenetics, part of Exact Sciences
Classification: Likely benign for ITGB3-related condition. Last evaluated: 2019-03-26. Review status: no assertion criteria provided. Collection method: clinical testing. Allele origin: germline. Not counted in ClinVar's aggregate classification.
Comment: This variant is classified as likely benign based on ACMG/AMP sequence variant interpretation guidelines (Richards et al. 2015 PMID: 25741868, with internal and published modifications).